The following is an entry in ClinVar:

ClinVar aggregate classification (germline): Likely benign. Review status: criteria provided, multiple submitters, no conflicts (2 of 4 stars). 2 submissions from 2 submitters: Likely benign (2). Last evaluated 2023-03-23.

Conditions:
Hereditary cancer-predisposing syndrome. Also called: Neoplastic Syndromes, Hereditary; Tumor predisposition; Hereditary Cancer Syndrome; Hereditary neoplastic syndrome. Identifiers: Orphanet 140162, MedGen C0027672, MeSH D009386, MONDO:0015356.

Submissions (2):

University of Washington Department of Laboratory Medicine, University of Washington
Classification: Likely benign for Hereditary cancer-predisposing syndrome. Last evaluated: 2023-03-23. Review status: criteria provided, single submitter. Criteria: Dines et al. (Genet Med. 2020). Collection method: curation. Allele origin: germline.
Comment: Missense variant in a coldspot region where missense variants are very unlikely to be pathogenic (PMID:31911673).

BRCA1 coldspot (exon 11 using historical exon numbering). Reclassification based on statistical prior probability

Ambry Genetics
Classification: Likely benign for Hereditary cancer-predisposing syndrome. Last evaluated: 2022-03-14. Review status: criteria provided, single submitter. Criteria: Ambry Variant Classification Scheme 2023. Collection method: clinical testing. Allele origin: germline.

NM_007294.4(BRCA1):c.2902C>G (p.Pro968Ala)

Gene: BRCA1 (BRCA1 DNA repair associated; minus strand). Cytogenetic location: 17q21.31.
Variant type: single nucleotide variant.
Coding change: c.2902C>G on transcript NM_007294.4 (MANE Select); coding-DNA position 2902, C replaced by G.
Protein change: p.Pro968Ala; replaces proline 968 with alanine.
Molecular consequence: missense variant. On other transcripts: intron variant (137).
Genome position (GRCh38, 1-based): chr17:43,092,629, G>C on the plus strand (C>G on the coding strand, the complement: BRCA1 is on the minus strand). VCF-style: chr17-43092629-G-C. GRCh37 (hg19) VCF-style: chr17-41244646-G-C.
Other names: c.788-1597C>G (NM_001407979.1, NM_001407977.1, NM_001407982.1 and 17 more transcripts); c.647-1597C>G (NM_001408410.1, NM_001408458.1, NM_001408469.1 and 11 more transcripts); c.710-1597C>G (NM_001408415.1, NM_001408412.1, NM_001408409.1 and 2 more transcripts); c.578-1597C>G (NM_001408483.1, NM_001408481.1, NM_001408480.1 and 9 more transcripts); c.665-1597C>G (NM_001408442.1, NM_001408426.1, NM_001408436.1 and 12 more transcripts); c.2689C>G, p.Pro897Ala (NM_001407571.1, NM_001407853.1, NM_001407894.1 and 9 more transcripts); c.2902C>G, p.Pro968Ala (NM_001407581.1, NM_001407582.1, NM_001407583.1 and 30 more transcripts); c.2899C>G, p.Pro967Ala (NM_001407587.1, NM_001407590.1, NM_001407591.1 and 22 more transcripts); and 41 more; short protein forms P898A, P920A, P921A, P927A, P942A, P968A, P840A, P841A.
Identifiers: ClinVar variation 1797469 (VCV001797469.4), dbSNP rs1182090591, ClinGen allele CA10596189.